The following is an entry in ClinVar:

ClinVar aggregate classification (germline): Uncertain significance (1 of 4 stars; one submission).

gnomAD v4.1: 1 of 1,613,790 alleles (0.000062%); no homozygotes.

Submission:

Labcorp Genetics (formerly Invitae), Labcorp
Classification: Uncertain significance. Last evaluated: 2022-10-26. Review status: criteria provided, single submitter. Criteria: Invitae Variant Classification Sherloc (09022015). Collection method: clinical testing. Allele origin: germline.
Comment: This sequence change replaces arginine, which is basic and polar, with isoleucine, which is neutral and non-polar, at codon 277 of the ITGAM protein (p.Arg277Ile). This variant is not present in population databases (gnomAD no frequency). This variant has not been reported in the literature in individuals affected with ITGAM-related conditions. Algorithms developed to predict the effect of missense changes on protein structure and function (SIFT, PolyPhen-2, Align-GVGD) all suggest that this variant is likely to be disruptive. In summary, the available evidence is currently insufficient to determine the role of this variant in disease. Therefore, it has been classified as a Variant of Uncertain Significance.

NM_000632.4(ITGAM):c.830G>T (p.Arg277Ile)

Genes: ITGAM (integrin subunit alpha M; plus strand), LOC126862332 (BRD4-independent group 4 enhancer GRCh37_chr16:31284654-31285853; plus strand). Cytogenetic location: 16p11.2.
Variant type: single nucleotide variant.
Coding change: c.830G>T on transcript NM_000632.4 (MANE Select); coding-DNA position 830, G replaced by T.
Protein change: p.Arg277Ile; replaces arginine 277 with isoleucine.
Molecular consequence: missense variant.
Genome position (GRCh38, 1-based): chr16:31,273,490, G>T. VCF-style: chr16-31273490-G-T. GRCh37 (hg19) VCF-style: chr16-31284811-G-T.
Other names: c.830G>T, p.Arg277Ile (NM_001145808.2); short protein forms R277I.
Identifiers: ClinVar variation 1722171 (VCV001722171.6), dbSNP rs2544388325, ClinGen allele CA395695128.